The following is an entry in ClinVar:

ClinVar aggregate classification (germline): Uncertain significance (1 of 4 stars; one submission).

Submission:

GeneDx
Classification: Uncertain significance. Last evaluated: 2023-02-24. Review status: criteria provided, single submitter. Criteria: GeneDx Variant Classification Process June 2021. Collection method: clinical testing. Allele origin: germline. Affected: yes.
Comment: Not observed at significant frequency in large population cohorts (gnomAD); In silico analysis supports that this missense variant has a deleterious effect on protein structure/function; In silico analysis is inconclusive as to whether the variant alters gene splicing. In the absence of RNA/functional studies, the actual effect of this sequence change is unknown.; Has not been previously published as pathogenic or benign to our knowledge

NM_001356.5(DDX3X):c.133A>T (p.Asn45Tyr)

Gene: DDX3X (DEAD-box helicase 3 X-linked; plus strand). Cytogenetic location: Xp11.4.
Variant type: single nucleotide variant.
Coding change: c.133A>T on transcript NM_001356.5 (MANE Select); coding-DNA position 133, A replaced by T.
Protein change: p.Asn45Tyr; replaces asparagine 45 with tyrosine.
Molecular consequence: missense variant. On other transcripts: 5 prime UTR variant (1), non-coding transcript variant (1), intron variant (1).
Genome position (GRCh38, 1-based): chrX:41,339,065, A>T. VCF-style: chrX-41339065-A-T. GRCh37 (hg19) VCF-style: chrX-41198318-A-T.
Other names: c.133A>T, p.Asn45Tyr (NM_001193416.3); c.-426A>T (NM_001363819.1); c.103+1600A>T (NM_001193417.3); short protein forms N45Y.
Identifiers: ClinVar variation 2577548 (VCV002577548.1), dbSNP rs2519497548, ClinGen allele CA412763042.
Genomic context (GRCh38, chrX:41,339,065, plus strand): 5'-ATTAATTTTATATATATATATATTTTTTTAGAAGGGCGCTATATTCCTCCTCATTTAAGG[A>T]ACCGAGAAGCTACTAAAGGTAGGTCCTCACAAGTAACTTCGTAGGTCTATTTTTTGCCTC-3'
Protein context (NP_001347.3, residues 35-55): KGRYIPPHLR[Asn45Tyr]REATKGFYDK